The following is an entry in ClinVar:

ClinVar aggregate classification (germline): Uncertain significance (1 of 4 stars; one submission).

Submission:

Labcorp Genetics (formerly Invitae), Labcorp
Classification: Uncertain significance. Last evaluated: 2024-09-30. Review status: criteria provided, single submitter. Criteria: Invitae Variant Classification Sherloc (09022015). Collection method: clinical testing. Allele origin: germline.
Comment: This sequence change replaces serine, which is neutral and polar, with arginine, which is basic and polar, at codon 171 of the WNT1 protein (p.Ser171Arg). This variant is not present in population databases (gnomAD no frequency). This variant has not been reported in the literature in individuals affected with WNT1-related conditions. Invitae Evidence Modeling of protein sequence and biophysical properties (such as structural, functional, and spatial information, amino acid conservation, physicochemical variation, residue mobility, and thermodynamic stability) indicates that this missense variant is expected to disrupt WNT1 protein function with a positive predictive value of 80%. In summary, the available evidence is currently insufficient to determine the role of this variant in disease. Therefore, it has been classified as a Variant of Uncertain Significance.

NM_005430.4(WNT1):c.513C>G (p.Ser171Arg)

Gene: WNT1 (Wnt family member 1; plus strand). Cytogenetic location: 12q13.12.
Variant type: single nucleotide variant.
Coding change: c.513C>G on transcript NM_005430.4 (MANE Select); coding-DNA position 513, C replaced by G.
Protein change: p.Ser171Arg; replaces serine 171 with arginine.
Molecular consequence: missense variant.
Genome position (GRCh38, 1-based): chr12:48,980,578, C>G. VCF-style: chr12-48980578-C-G. GRCh37 (hg19) VCF-style: chr12-49374361-C-G.
Other names: short protein forms S171R.
Identifiers: ClinVar variation 2747951 (VCV002747951.3), dbSNP rs753356589, ClinGen allele CA384631889.
Genomic context (GRCh38, chr12:48,980,578, plus strand): 5'-CACGTGTGACTACCGGCGGCGCGGCCCCGGGGGCCCCGACTGGCACTGGGGGGGCTGCAG[C>G]GACAACATTGACTTCGGCCGCCTCTTCGGCCGGGAGTTCGTGGACTCCGGGGAGAAGGGG-3'
Protein context (NP_005421.1, residues 161-181): GGPDWHWGGC[Ser171Arg]DNIDFGRLFG